The following is an entry in ClinVar:

NM_001164508.2(NEB):c.3230A>G (p.Lys1077Arg)

Gene: NEB (nebulin; minus strand). Cytogenetic location: 2q23.3.
Variant type: single nucleotide variant.
Coding change: c.3230A>G on transcript NM_001164508.2 (MANE Select); coding-DNA position 3230, A replaced by G.
Protein change: p.Lys1077Arg; replaces lysine 1077 with arginine.
Molecular consequence: missense variant.
Genome position (GRCh38, 1-based): chr2:151,679,746, T>C on the plus strand (A>G on the coding strand, the complement: NEB is on the minus strand). VCF-style: chr2-151679746-T-C. GRCh37 (hg19) VCF-style: chr2-152536260-T-C.
Other names: c.3230A>G, p.Lys1077Arg (NM_001164507.2, NM_001271208.2, NM_004543.5); short protein forms K1077R.
Identifiers: ClinVar variation 1373273 (VCV001373273.6), dbSNP rs2099400877, ClinGen allele CA348820024.

ClinVar aggregate classification (germline): Uncertain significance (1 of 4 stars; one submission).

Conditions:
Nemaline myopathy 2 (NEM2). Also called: Nemaline myopathy 2, autosomal recessive. Identifiers: MedGen C1850569, MONDO:0009725, OMIM 256030.

Allele frequency attached by ClinVar (database versions not stated): TOPMed below 0.00001.

Submission:

Labcorp Genetics (formerly Invitae), Labcorp
Classification: Uncertain significance for Nemaline myopathy 2. Last evaluated: 2023-01-25. Review status: criteria provided, single submitter. Criteria: Invitae Variant Classification Sherloc (09022015). Collection method: clinical testing. Allele origin: germline.
Comment: Algorithms developed to predict the effect of missense changes on protein structure and function are either unavailable or do not agree on the potential impact of this missense change (SIFT: "Deleterious"; PolyPhen-2: "Not Available"; Align-GVGD: "Class C0"). ClinVar contains an entry for this variant (Variation ID: 1373273). This variant has not been reported in the literature in individuals affected with NEB-related conditions. This variant is not present in population databases (gnomAD no frequency). This sequence change replaces lysine, which is basic and polar, with arginine, which is basic and polar, at codon 1077 of the NEB protein (p.Lys1077Arg). In summary, the available evidence is currently insufficient to determine the role of this variant in disease. Therefore, it has been classified as a Variant of Uncertain Significance.